The following is an entry in ClinVar:

ClinVar aggregate classification (germline): Uncertain significance (1 of 4 stars; one submission).

Conditions:
Inborn genetic diseases. Identifiers: MedGen C0950123, MeSH D030342.

Submission:

Ambry Genetics
Classification: Uncertain significance for Inborn genetic diseases. Last evaluated: 2026-01-18. Review status: criteria provided, single submitter. Criteria: Ambry Variant Classification Scheme 2023. Collection method: clinical testing. Allele origin: germline.
Comment: The p.R114G variant (also known as c.340A>G), located in coding exon 3 of the RTEL1 gene, results from an A to G substitution at nucleotide position 340. The arginine at codon 114 is replaced by glycine, an amino acid with dissimilar properties. This amino acid position is conserved. In addition, this alteration is predicted to be deleterious by in silico analysis. Based on the available evidence, the clinical significance of this variant remains unclear.

NM_001283009.2(RTEL1):c.340A>G (p.Arg114Gly)

Genes: RTEL1 (regulator of telomere elongation helicase 1; plus strand), RTEL1-TNFRSF6B (RTEL1-TNFRSF6B readthrough (NMD candidate); plus strand). Cytogenetic location: 20q13.33.
Variant type: single nucleotide variant.
Coding change: c.340A>G on transcript NM_001283009.2 (MANE Select); coding-DNA position 340, A replaced by G.
Protein change: p.Arg114Gly; replaces arginine 114 with glycine.
Molecular consequence: missense variant. On other transcripts: non-coding transcript variant (1), 5 prime UTR variant (1).
Genome position (GRCh38, 1-based): chr20:63,661,888, A>G. VCF-style: chr20-63661888-A-G. GRCh37 (hg19) VCF-style: chr20-62293241-A-G.
Other names: c.-330A>G (NM_001283010.1); c.340A>G, p.Arg114Gly (NM_016434.4, NM_032957.5); short protein forms R114G.
Identifiers: ClinVar variation 4825661 (VCV004825661.1).